The following is an entry in ClinVar:

NM_000836.4(GRIN2D):c.3868C>T (p.Pro1290Ser)

Gene: GRIN2D (glutamate ionotropic receptor NMDA type subunit 2D; plus strand). Cytogenetic location: 19q13.33.
Variant type: single nucleotide variant.
Coding change: c.3868C>T on transcript NM_000836.4 (MANE Select); coding-DNA position 3868, C replaced by T.
Protein change: p.Pro1290Ser; replaces proline 1290 with serine.
Molecular consequence: missense variant.
Genome position (GRCh38, 1-based): chr19:48,443,794, C>T. VCF-style: chr19-48443794-C-T. GRCh37 (hg19) VCF-style: chr19-48947051-C-T.
Other names: short protein forms P1290S.
Identifiers: ClinVar variation 4886097 (VCV004886097.2).

ClinVar aggregate classification (germline): Uncertain significance (1 of 4 stars; one submission).

Submission:

Dasa
Classification: Uncertain significance. Last evaluated: 2024-12-10. Review status: criteria provided, single submitter. Criteria: DASA Assertion Criteria. Collection method: clinical testing. Allele origin: germline.
Comment: NM_000836.4(GRIN2D):c.3868C>T (p.Pro1290Ser) is a missense variant that results in the substitution of proline with serine. This variant is rare in population databases. Computational prediction algorithms are consistent with a benign effect. The currently available literature and clinical evidence are not sufficient to establish a definitive association between this variant and the reported condition. Therefore, this variant is classified as a variant of uncertain significance.